The following is an entry in ClinVar:

NM_000843.4(GRM6):c.1399C>A (p.Pro467Thr)

Genes: GRM6 (glutamate metabotropic receptor 6; minus strand), ZNF454 (zinc finger protein 454; plus strand). Cytogenetic location: 5q35.3.
Variant type: single nucleotide variant.
Coding change: c.1399C>A on transcript NM_000843.4 (MANE Select); coding-DNA position 1399, C replaced by A.
Protein change: p.Pro467Thr; replaces proline 467 with threonine.
Molecular consequence: missense variant.
Genome position (GRCh38, 1-based): chr5:178,986,939, G>T on the plus strand (C>A on the coding strand, the complement: GRM6 is on the minus strand). VCF-style: chr5-178986939-G-T. GRCh37 (hg19) VCF-style: chr5-178413940-G-T.
Other names: short protein forms P467T.
Identifiers: ClinVar variation 1515276 (VCV001515276.6), dbSNP rs2113330865, ClinGen allele CA362429314.

ClinVar aggregate classification (germline): Uncertain significance (1 of 4 stars; one submission).

Submission:

Labcorp Genetics (formerly Invitae), Labcorp
Classification: Uncertain significance. Last evaluated: 2021-08-26. Review status: criteria provided, single submitter. Criteria: Invitae Variant Classification Sherloc (09022015). Collection method: clinical testing. Allele origin: germline.
Comment: This variant has not been reported in the literature in individuals affected with GRM6-related conditions. In summary, the available evidence is currently insufficient to determine the role of this variant in disease. Therefore, it has been classified as a Variant of Uncertain Significance. Advanced modeling of protein sequence and biophysical properties (such as structural, functional, and spatial information, amino acid conservation, physicochemical variation, residue mobility, and thermodynamic stability) performed at Invitae indicates that this missense variant is not expected to disrupt GRM6 protein function. This variant is not present in population databases (ExAC no frequency). This sequence change replaces proline with threonine at codon 467 of the GRM6 protein (p.Pro467Thr). The proline residue is highly conserved and there is a small physicochemical difference between proline and threonine.